The following is an entry in ClinVar:

ClinVar aggregate classification (germline): Uncertain significance (1 of 4 stars; one submission).

Conditions:
Hereditary cancer-predisposing syndrome. Also called: Hereditary neoplastic syndrome; Neoplastic Syndromes, Hereditary; Tumor predisposition; Hereditary Cancer Syndrome. Identifiers: Orphanet 140162, MedGen C0027672, MeSH D009386, MONDO:0015356.

Submission:

Ambry Genetics
Classification: Uncertain significance for Hereditary cancer-predisposing syndrome. Last evaluated: 2025-01-11. Review status: criteria provided, single submitter. Criteria: Ambry Variant Classification Scheme 2023. Collection method: clinical testing. Allele origin: germline.
Comment: The p.G1492A variant (also known as c.4475G>C), located in coding exon 12 of the BRCA1 gene, results from a G to C substitution at nucleotide position 4475. The glycine at codon 1492 is replaced by alanine, an amino acid with similar properties. This amino acid position is not well conserved in available vertebrate species. In addition, this alteration is predicted to be tolerated by in silico analysis. Based on the available evidence, the clinical significance of this variant remains unclear.

NM_007294.4(BRCA1):c.4475G>C (p.Gly1492Ala)

Gene: BRCA1 (BRCA1 DNA repair associated; minus strand). Cytogenetic location: 17q21.31.
Variant type: single nucleotide variant.
Coding change: c.4475G>C on transcript NM_007294.4 (MANE Select); coding-DNA position 4475, G replaced by C.
Protein change: p.Gly1492Ala; replaces glycine 1492 with alanine.
Molecular consequence: missense variant. On other transcripts: intron variant (3).
Genome position (GRCh38, 1-based): chr17:43,076,497, C>G on the plus strand (G>C on the coding strand, the complement: BRCA1 is on the minus strand). VCF-style: chr17-43076497-C-G. GRCh37 (hg19) VCF-style: chr17-41228514-C-G.
Other names: c.4142G>C, p.Gly1381Ala (NM_001407949.1, NM_001407946.1, NM_001407947.1 and 1 more transcripts); c.4139G>C, p.Gly1380Ala (NM_001407950.1, NM_001407951.1, NM_001407952.1 and 3 more transcripts); c.4136G>C, p.Gly1379Ala (NM_001407956.1, NM_001407957.1, NM_001407958.1); c.4094G>C, p.Gly1365Ala (NM_001407959.1); c.4091G>C, p.Gly1364Ala (NM_001407960.1, NM_001407962.1); c.4088G>C, p.Gly1363Ala (NM_001407963.1); c.3968G>C, p.Gly1323Ala (NM_001407965.1); c.3587G>C, p.Gly1196Ala (NM_001407966.1); and 71 more; short protein forms G1365A, G1381A, G1420A, G1421A, G1425A, G1449A, G1465A, G1488A.
Identifiers: ClinVar variation 3825286 (VCV003825286.1).